The following is an entry in ClinVar:

NM_005909.5(MAP1B):c.7371del (p.Asp2458fs)

Gene: MAP1B (microtubule associated protein 1B; plus strand). Cytogenetic location: 5q13.2.
Variant type: Deletion.
Coding change: c.7371del on transcript NM_005909.5 (MANE Select); coding-DNA position 7371, one base deleted (A; older notation c.7371delA).
Protein change: p.Asp2458fs; shifts the reading frame from aspartic acid 2458.
Molecular consequence: frameshift variant.
Genome position (GRCh38, 1-based): chr5:72,205,203, A deleted; the last of 2 consecutive A bases (chr5:72,205,202-72,205,203); deleting either gives the same sequence. VCF-style (leftmost placement, unchanged base first): chr5-72205201-CA-C. GRCh37 (hg19) VCF-style: chr5-71501028-CA-C.
Other names: c.6993del, p.Asp2332fs (NM_001324255.2); short protein forms D2332fs, D2458fs.
Identifiers: ClinVar variation 3360491 (VCV003360491.1).

ClinVar aggregate classification (germline): Uncertain significance (1 of 4 stars; one submission).

Submission:

GeneDx
Classification: Uncertain significance. Last evaluated: 2023-07-09. Review status: criteria provided, single submitter. Criteria: GeneDx Variant Classification Process June 2021. Collection method: clinical testing. Allele origin: germline. Affected: yes.
Comment: Not observed at significant frequency in large population cohorts (gnomAD); Frameshift variant predicted to result in protein elongation as the last 11 amino acids are replaced with 21 different amino acids, although loss-of-function variants have not been reported downstream of this position in the protein; Has not been previously published as pathogenic or benign to our knowledge